The following is an entry in ClinVar:

ClinVar aggregate classification (germline): Uncertain significance. Review status: criteria provided, multiple submitters, no conflicts (2 of 4 stars). 2 submissions from 2 submitters: Uncertain significance (2). Last evaluated 2025-01-17.

Conditions:
RASopathy. Also called: rasopathies; Noonan spectrum disorder. Identifiers: Orphanet 536391, MedGen C5555857, MONDO:0021060.
Cardiovascular phenotype. Identifiers: MedGen CN230736.

Allele frequency attached by ClinVar (database versions not stated): gnomAD exomes below 0.00001.
gnomAD v4.1: 7 of 1,614,196 alleles (0.00043%); highest among the groups gnomAD compares: Non-Finnish European, 0.00059%; no homozygotes.

Submissions (2):

Ambry Genetics
Classification: Uncertain significance for Cardiovascular phenotype. Last evaluated: 2025-01-17. Review status: criteria provided, single submitter. Criteria: Ambry Variant Classification Scheme 2023. Collection method: clinical testing. Allele origin: germline.
Comment: The p.E348V variant (also known as c.1043A>T), located in coding exon 9 of the PTPN11 gene, results from an A to T substitution at nucleotide position 1043. The glutamic acid at codon 348 is replaced by valine, an amino acid with dissimilar properties. This amino acid position is conserved. In addition, this alteration is predicted to be deleterious by in silico analysis. Based on the available evidence, the clinical significance of this variant remains unclear.

Labcorp Genetics (formerly Invitae), Labcorp
Classification: Uncertain significance for RASopathy. Last evaluated: 2021-05-19. Review status: criteria provided, single submitter. Criteria: Invitae Variant Classification Sherloc (09022015). Collection method: clinical testing. Allele origin: germline.
Comment: In summary, the available evidence is currently insufficient to determine the role of this variant in disease. Therefore, it has been classified as a Variant of Uncertain Significance. Algorithms developed to predict the effect of sequence changes on RNA splicing suggest that this variant may create or strengthen a splice site, but this prediction has not been confirmed by published transcriptional studies. Advanced modeling of protein sequence and biophysical properties (such as structural, functional, and spatial information, amino acid conservation, physicochemical variation, residue mobility, and thermodynamic stability) performed at Invitae indicates that this missense variant is expected to disrupt PTPN11 protein function. This variant has not been reported in the literature in individuals with PTPN11-related conditions. This variant is not present in population databases (ExAC no frequency). This sequence change replaces glutamic acid with valine at codon 348 of the PTPN11 protein (p.Glu348Val). The glutamic acid residue is highly conserved and there is a moderate physicochemical difference between glutamic acid and valine.

NM_002834.5(PTPN11):c.1043A>T (p.Glu348Val)

Gene: PTPN11 (protein tyrosine phosphatase non-receptor type 11; plus strand). Cytogenetic location: 12q24.13.
Variant type: single nucleotide variant.
Coding change: c.1043A>T on transcript NM_002834.5 (MANE Select); coding-DNA position 1043, A replaced by T.
Protein change: p.Glu348Val; replaces glutamic acid 348 with valine.
Molecular consequence: missense variant.
Genome position (GRCh38, 1-based): chr12:112,477,966, A>T. VCF-style: chr12-112477966-A-T. GRCh37 (hg19) VCF-style: chr12-112915770-A-T.
Other names: c.1043A>T (NM_002834.3); c.1043A>T, p.Glu348Val (NM_001330437.2, NM_080601.3); c.1040A>T, p.Glu347Val (NM_001374625.1); short protein forms E347V, E348V.
Identifiers: ClinVar variation 1505187 (VCV001505187.9), dbSNP rs1287780991, ClinGen allele CA386791556.